The following is an entry in ClinVar:

ClinVar aggregate classification (germline): Benign/Likely benign. Review status: criteria provided, multiple submitters, no conflicts (2 of 4 stars). 5 submissions from 5 submitters: Benign (1); Likely benign (4). Last evaluated 2025-08-01.

Conditions:
Hereditary cancer-predisposing syndrome. Also called: Hereditary Cancer Syndrome; Tumor predisposition; Neoplastic Syndromes, Hereditary; Hereditary neoplastic syndrome. Identifiers: Orphanet 140162, MedGen C0027672, MeSH D009386, MONDO:0015356.
Tuberous sclerosis 1 (TSC1). Identifiers: Orphanet 805, MedGen C1854465, MONDO:0008612, OMIM 191100.

gnomAD v4.1: 7 of 1,613,788 alleles (0.00043%); highest among the groups gnomAD compares: Non-Finnish European, 0.00059%; no homozygotes.

Submissions (5):

CeGaT Center for Human Genetics Tuebingen
Classification: Likely benign. Last evaluated: 2025-08-01. Review status: criteria provided, single submitter. Criteria: CeGaT Center For Human Genetics Tuebingen Variant Classification Criteria Version 2. Collection method: clinical testing. Allele origin: germline. Affected: yes. Observed: 1 variant allele.
Comment: TSC1: BP4, BP7

Labcorp Genetics (formerly Invitae), Labcorp
Classification: Likely benign for Tuberous sclerosis 1. Last evaluated: 2025-05-05. Review status: criteria provided, single submitter. Criteria: Invitae Variant Classification Sherloc (09022015). Collection method: clinical testing. Allele origin: germline.

Myriad Genetics, Inc.
Classification: Benign for Tuberous sclerosis 1. Last evaluated: 2025-04-24. Review status: criteria provided, single submitter. Criteria: Myriad Autosomal Dominant, Autosomal Recessive and X-Linked Classification Criteria (2023). Collection method: clinical testing. Allele origin: unknown.
Comment: This variant is considered benign. This variant is a silent/synonymous amino acid change and it is not expected to impact splicing.

Blueprint Genetics
Classification: Likely benign. Last evaluated: 2023-08-02. Review status: criteria provided, single submitter. Criteria: ACMG Guidelines, 2015. Collection method: clinical testing. Allele origin: germline.

Ambry Genetics
Classification: Likely benign for Hereditary cancer-predisposing syndrome. Last evaluated: 2023-02-04. Review status: criteria provided, single submitter. Criteria: Ambry Variant Classification Scheme 2023. Collection method: clinical testing. Allele origin: germline.

NM_000368.5(TSC1):c.2109C>G (p.Leu703=)

Gene: TSC1 (TSC complex subunit 1; minus strand). Cytogenetic location: 9q34.13.
Variant type: single nucleotide variant.
Coding change: c.2109C>G on transcript NM_000368.5 (MANE Select); coding-DNA position 2109, C replaced by G.
Protein change: p.Leu703=; no amino-acid change (leucine 703 retained).
Molecular consequence: synonymous variant.
Genome position (GRCh38, 1-based): chr9:132,903,750, G>C on the plus strand (C>G on the coding strand, the complement: TSC1 is on the minus strand). VCF-style: chr9-132903750-G-C. GRCh37 (hg19) VCF-style: chr9-135779137-G-C.
Other names: c.2106C>G, p.Leu702= (NM_001162426.2); c.1956C>G, p.Leu652= (NM_001162427.2); c.1746C>G, p.Leu582= (NM_001362177.2); c.2109C>G (NM_000368.4).
Identifiers: ClinVar variation 1380217 (VCV001380217.17), dbSNP rs1440846632, ClinGen allele CA467590722.